The following is an entry in ClinVar:

NM_173598.6(KSR2):c.2613A>G (p.Glu871=)

Gene: KSR2 (kinase suppressor of ras 2; minus strand). Cytogenetic location: 12q24.22.
Variant type: single nucleotide variant.
Coding change: c.2613A>G on transcript NM_173598.6 (MANE Select); coding-DNA position 2613, A replaced by G.
Protein change: p.Glu871=; no amino-acid change (glutamic acid 871 retained).
Molecular consequence: synonymous variant.
Genome position (GRCh38, 1-based): chr12:117,471,290, T>C on the plus strand (A>G on the coding strand, the complement: KSR2 is on the minus strand). VCF-style: chr12-117471290-T-C. GRCh37 (hg19) VCF-style: chr12-117909095-T-C.
Identifiers: ClinVar variation 4981927 (VCV004981927.1).

ClinVar aggregate classification (germline): Likely benign (1 of 4 stars; one submission).

Conditions:
KSR2-related disorder. Also called: KSR2-related condition.

Submission:

PreventionGenetics, part of Exact Sciences
Classification: Likely benign for KSR2-related condition. Last evaluated: 2025-10-13. Review status: criteria provided, single submitter. Criteria: ACMG Guidelines, 2015. Collection method: clinical testing. Allele origin: germline.
Comment: This variant is classified as likely benign based on ACMG/AMP sequence variant interpretation guidelines (Richards et al. 2015 PMID: 25741868, with internal and published modifications).